The following is an entry in ClinVar:

ClinVar aggregate classification (germline): Uncertain significance (1 of 4 stars; one submission).

Conditions:
PLXNA4-related disorder. Also called: PLXNA4-related condition.

Allele frequency attached by ClinVar (database versions not stated): TOPMed 0.00001; gnomAD 0.00005; 1000 Genomes Project 30x 0.00016; 1000 Genomes Project 0.00020.
gnomAD v4.1: 69 of 1,614,032 alleles (0.0043%); highest among the groups gnomAD compares: East Asian, 0.045%; no homozygotes.

Submission:

PreventionGenetics, part of Exact Sciences
Classification: Uncertain significance for PLXNA4-related condition. Last evaluated: 2026-07-13. Review status: criteria provided, single submitter. Criteria: ACMG Guidelines, 2015. Collection method: clinical testing. Allele origin: germline.
Comment: The PLXNA4 c.2788G>A variant is predicted to result in the amino acid substitution p.Val930Met. This variant has been reported in an individual with autism spectrum disorder (Supplementary Table 20, Fu et al. 2022. PubMed ID: 35982160). This variant is reported in 0.0062% of alleles in individuals of European (Non-Finnish) descent in gnomAD and is interpreted as uncertain in ClinVar (Variation ID: 2635640). At this time, the clinical significance of this variant is uncertain due to the absence of conclusive functional and genetic evidence.

NM_020911.2(PLXNA4):c.2788G>A (p.Val930Met)

Gene: PLXNA4 (plexin A4; minus strand). Cytogenetic location: 7q32.3.
Variant type: single nucleotide variant.
Coding change: c.2788G>A on transcript NM_020911.2 (MANE Select); coding-DNA position 2788, G replaced by A.
Protein change: p.Val930Met; replaces valine 930 with methionine.
Molecular consequence: missense variant.
Genome position (GRCh38, 1-based): chr7:132,194,130, C>T on the plus strand (G>A on the coding strand, the complement: PLXNA4 is on the minus strand). VCF-style: chr7-132194130-C-T. GRCh37 (hg19) VCF-style: chr7-131878889-C-T.
Other names: c.2788G>A, p.Val930Met (NM_001393897.1); short protein forms V930M.
Identifiers: ClinVar variation 2635640 (VCV002635640.2), dbSNP rs141839043, ClinGen allele CA4489686.